The following is an entry in ClinVar:

NM_018139.3(DNAAF2):c.386G>A (p.Arg129His)

Gene: DNAAF2 (dynein axonemal assembly factor 2; minus strand). Cytogenetic location: 14q21.3.
Variant type: single nucleotide variant.
Coding change: c.386G>A on transcript NM_018139.3 (MANE Select); coding-DNA position 386, G replaced by A.
Protein change: p.Arg129His; replaces arginine 129 with histidine.
Molecular consequence: missense variant.
Genome position (GRCh38, 1-based): chr14:49,634,764, C>T on the plus strand (G>A on the coding strand, the complement: DNAAF2 is on the minus strand). VCF-style: chr14-49634764-C-T. GRCh37 (hg19) VCF-style: chr14-50101482-C-T.
Other names: c.386G>A, p.Arg129His (NM_001083908.2); short protein forms R129H.
Identifiers: ClinVar variation 565567 (VCV000565567.6), dbSNP rs1294565597, ClinGen allele CA389631967.

ClinVar aggregate classification (germline): Uncertain significance (1 of 4 stars; one submission).

Conditions:
Primary ciliary dyskinesia. Also called: Ciliary dyskinesia. Identifiers: Orphanet 244, MedGen C0008780, MONDO:0016575, HP:0012265.

Allele frequency attached by ClinVar (database versions not stated): TOPMed below 0.00001.

Submission:

Labcorp Genetics (formerly Invitae), Labcorp
Classification: Uncertain significance for Primary ciliary dyskinesia. Last evaluated: 2021-09-01. Review status: criteria provided, single submitter. Criteria: Invitae Variant Classification Sherloc (09022015). Collection method: clinical testing. Allele origin: germline.
Comment: This sequence change replaces arginine with histidine at codon 129 of the DNAAF2 protein (p.Arg129His). The arginine residue is moderately conserved and there is a small physicochemical difference between arginine and histidine. This variant is not present in population databases (ExAC no frequency). This variant has not been reported in the literature in individuals affected with DNAAF2-related conditions. Algorithms developed to predict the effect of missense changes on protein structure and function are either unavailable or do not agree on the potential impact of this missense change (SIFT: "Deleterious"; PolyPhen-2: "Probably Damaging"; Align-GVGD: "Class C0"). In summary, the available evidence is currently insufficient to determine the role of this variant in disease. Therefore, it has been classified as a Variant of Uncertain Significance.